The following is an entry in ClinVar:

NM_003036.4(SKI):c.2162A>G (p.Glu721Gly)

Gene: SKI (SKI proto-oncogene; plus strand). Cytogenetic location: 1p36.32.
Variant type: single nucleotide variant.
Coding change: c.2162A>G on transcript NM_003036.4 (MANE Select); coding-DNA position 2162, A replaced by G.
Protein change: p.Glu721Gly; replaces glutamic acid 721 with glycine.
Molecular consequence: missense variant.
Genome position (GRCh38, 1-based): chr1:2,306,740, A>G. VCF-style: chr1-2306740-A-G. GRCh37 (hg19) VCF-style: chr1-2238179-A-G.
Other names: short protein forms E721G.
Identifiers: ClinVar variation 5029578 (VCV005029578.1).

ClinVar aggregate classification (germline): Uncertain significance (1 of 4 stars; one submission).

Conditions:
Familial thoracic aortic aneurysm and aortic dissection (TAAD). Also called: Thoracic aortic aneurysms and dissections. Identifiers: Orphanet 91387, MedGen C4707243, MONDO:0019625.

Submission:

Ambry Genetics
Classification: Uncertain significance for Familial thoracic aortic aneurysm and aortic dissection. Last evaluated: 2026-08-22. Review status: criteria provided, single submitter. Criteria: Ambry Variant Classification Scheme 2023. Collection method: clinical testing. Allele origin: germline.
Comment: The p.E721G variant (also known as c.2162A>G), located in coding exon 7 of the SKI gene, results from an A to G substitution at nucleotide position 2162. The glutamic acid at codon 721 is replaced by glycine, an amino acid with similar properties. This amino acid position is conserved. In addition, the in silico prediction for this alteration is inconclusive. Based on the available evidence, the clinical significance of this variant remains unclear.